The following is an entry in ClinVar:

ClinVar aggregate classification (germline): Uncertain significance. Review status: criteria provided, multiple submitters, no conflicts (2 of 4 stars). 2 submissions from 2 submitters: Uncertain significance (2). Last evaluated 2023-07-15.

Conditions:
Hereditary cancer-predisposing syndrome. Also called: Tumor predisposition; Neoplastic Syndromes, Hereditary; Hereditary Cancer Syndrome; Hereditary neoplastic syndrome. Identifiers: Orphanet 140162, MedGen C0027672, MeSH D009386, MONDO:0015356.
Medulloblastoma (MDB). Also called: Medulloblastoma, somatic; MEDULLOBLASTOMA PREDISPOSITION SYNDROME. Identifiers: Orphanet 616, MedGen C0025149, MeSH D008527, MONDO:0007959, OMIM 155255, HP:0002885.
Gorlin syndrome. Also called: Nevoid Basal Cell Carcinoma Syndrome; Basal cell nevus syndrome. Identifiers: Orphanet 377, MedGen C0004779, MONDO:0007187.

Allele frequency attached by ClinVar (database versions not stated): gnomAD exomes below 0.00001; ExAC 0.00001.
gnomAD v4.1: 1 of 1,611,780 alleles (0.000062%); highest among the groups gnomAD compares: South Asian, 0.0011%; no homozygotes.

Submissions (2):

Ambry Genetics
Classification: Uncertain significance for Hereditary cancer-predisposing syndrome. Last evaluated: 2023-07-15. Review status: criteria provided, single submitter. Criteria: Ambry Variant Classification Scheme 2023. Collection method: clinical testing. Allele origin: germline.
Comment: The p.P24L variant (also known as c.71C>T), located in coding exon 1 of the SUFU gene, results from a C to T substitution at nucleotide position 71. The proline at codon 24 is replaced by leucine, an amino acid with similar properties. This amino acid position is conserved. In addition, this alteration is predicted to be tolerated by in silico analysis. Since supporting evidence is limited at this time, the clinical significance of this alteration remains unclear.

Labcorp Genetics (formerly Invitae), Labcorp
Classification: Uncertain significance for Gorlin syndrome; Medulloblastoma. Last evaluated: 2022-11-12. Review status: criteria provided, single submitter. Criteria: Invitae Variant Classification Sherloc (09022015). Collection method: clinical testing. Allele origin: germline.
Comment: This sequence change replaces proline, which is neutral and non-polar, with leucine, which is neutral and non-polar, at codon 24 of the SUFU protein (p.Pro24Leu). This variant is present in population databases (rs754218597, gnomAD no frequency). This variant has not been reported in the literature in individuals affected with SUFU-related conditions. Advanced modeling of protein sequence and biophysical properties (such as structural, functional, and spatial information, amino acid conservation, physicochemical variation, residue mobility, and thermodynamic stability) performed at Invitae indicates that this missense variant is not expected to disrupt SUFU protein function. In summary, the available evidence is currently insufficient to determine the role of this variant in disease. Therefore, it has been classified as a Variant of Uncertain Significance.

NM_016169.4(SUFU):c.71C>T (p.Pro24Leu)

Genes: SUFU (SUFU negative regulator of hedgehog signaling; plus strand), LOC130004614 (ATAC-STARR-seq lymphoblastoid silent region 2764; plus strand). Cytogenetic location: 10q24.32.
Variant type: single nucleotide variant.
Coding change: c.71C>T on transcript NM_016169.4 (MANE Select); coding-DNA position 71, C replaced by T.
Protein change: p.Pro24Leu; replaces proline 24 with leucine.
Molecular consequence: missense variant.
Genome position (GRCh38, 1-based): chr10:102,504,223, C>T. VCF-style: chr10-102504223-C-T. GRCh37 (hg19) VCF-style: chr10-104263980-C-T.
Other names: c.71C>T, p.Pro24Leu (NM_001178133.2); short protein forms P24L.
Identifiers: ClinVar variation 2586922 (VCV002586922.5), dbSNP rs754218597, ClinGen allele CA5667588.